The following is an entry in ClinVar:

NM_001165963.4(SCN1A):c.3974G>C (p.Arg1325Thr)

Genes: SCN1A (sodium voltage-gated channel alpha subunit 1; minus strand), LOC102724058 (uncharacterized LOC102724058; plus strand). Cytogenetic location: 2q24.3.
Variant type: single nucleotide variant.
Coding change: c.3974G>C on transcript NM_001165963.4 (MANE Select); coding-DNA position 3974, G replaced by C.
Protein change: p.Arg1325Thr; replaces arginine 1325 with threonine.
Molecular consequence: missense variant. On other transcripts: non-coding transcript variant (1).
Genome position (GRCh38, 1-based): chr2:166,009,747, C>G on the plus strand (G>C on the coding strand, the complement: SCN1A is on the minus strand). VCF-style: chr2-166009747-C-G. GRCh37 (hg19) VCF-style: chr2-166866257-C-G.
Other names: c.3938G>C, p.Arg1313Thr (NM_001353954.2, NM_001353955.2); c.3890G>C, p.Arg1297Thr (NM_001353957.2, NM_001353958.2, NM_001165964.3); c.3887G>C, p.Arg1296Thr (NM_001353960.2); c.1532G>C, p.Arg511Thr (NM_001353961.2); c.3941G>C, p.Arg1314Thr (NM_006920.6, NM_001353949.2, NM_001353950.2 and 2 more transcripts); c.3974G>C, p.Arg1325Thr (NM_001202435.3, NM_001353948.2); short protein forms R1296T, R1297T, R1313T, R1314T, R1325T, R511T.
Identifiers: ClinVar variation 4881871 (VCV004881871.2).

ClinVar aggregate classification (germline): Likely pathogenic (1 of 4 stars; one submission).

Conditions:
Severe myoclonic epilepsy in infancy (DRVT). Also called: SEVERE MYOCLONIC EPILEPSY OF INFANCY; Dravet syndrome; Epileptic encephalopathy, early infantile, 6 (Dravet syndrome); DEVELOPMENTAL AND EPILEPTIC ENCEPHALOPATHY 6A; Severe Myoclonic Epilepsy in Infancy (SMEI). Identifiers: Orphanet 33069, MedGen C0751122, MONDO:0100135, OMIM 607208.

Submission:

Dasa
Classification: Likely pathogenic for Dravet syndrome. Last evaluated: 2025-11-18. Review status: criteria provided, single submitter. Criteria: DASA Assertion Criteria. Collection method: clinical testing. Allele origin: germline.
Comment: NM_001165963.4(SCN1A):c.3974G>C (p.Arg1325Thr) is a missense variant that results in the substitution of arginine with threonine. The affected residue or protein region has prior evidence supporting clinical relevance. This variant has been reported as a de novo occurrence in an affected individual (PMID: 23195492). Also, this variant is absent from population databases. Computational evidence supports a deleterious effect. Based on the currently available evidence, this variant is classified as likely pathogenic.

Literature cited by the submitters: PubMed 23195492.